The following is an entry in ClinVar:

ClinVar aggregate classification (germline): Uncertain significance (1 of 4 stars; one submission).

Conditions:
Shprintzen-Goldberg syndrome (SGS). Also called: SHPRINTZEN-GOLDBERG CRANIOSYNOSTOSIS SYNDROME; CRANIOSYNOSTOSIS WITH ARACHNODACTYLY AND ABDOMINAL HERNIAS; Marfanoid disorder with craniosynostosis type 1; Marfanoid craniosynostosis syndrome; Shprintzen-Goldberg marfanoid syndrome. Identifiers: Orphanet 2462, MedGen C1321551, MONDO:0008426, OMIM 182212.

Submission:

Labcorp Genetics (formerly Invitae), Labcorp
Classification: Uncertain significance for Shprintzen-Goldberg syndrome. Last evaluated: 2022-12-02. Review status: criteria provided, single submitter. Criteria: Invitae Variant Classification Sherloc (09022015). Collection method: clinical testing. Allele origin: germline.
Comment: In summary, the available evidence is currently insufficient to determine the role of this variant in disease. Therefore, it has been classified as a Variant of Uncertain Significance. Advanced modeling of protein sequence and biophysical properties (such as structural, functional, and spatial information, amino acid conservation, physicochemical variation, residue mobility, and thermodynamic stability) performed at Invitae indicates that this missense variant is not expected to disrupt SKI protein function. ClinVar contains an entry for this variant (Variation ID: 651207). This variant has not been reported in the literature in individuals affected with SKI-related conditions. This variant is not present in population databases (gnomAD no frequency). This sequence change replaces alanine, which is neutral and non-polar, with glycine, which is neutral and non-polar, at codon 3 of the SKI protein (p.Ala3Gly).

NM_003036.4(SKI):c.8C>G (p.Ala3Gly)

Gene: SKI (SKI proto-oncogene; plus strand). Cytogenetic location: 1p36.33.
Variant type: single nucleotide variant.
Coding change: c.8C>G on transcript NM_003036.4 (MANE Select); coding-DNA position 8, C replaced by G.
Protein change: p.Ala3Gly; replaces alanine 3 with glycine.
Molecular consequence: missense variant.
Genome position (GRCh38, 1-based): chr1:2,228,774, C>G. VCF-style: chr1-2228774-C-G. GRCh37 (hg19) VCF-style: chr1-2160213-C-G.
Other names: short protein forms A3G.
Identifiers: ClinVar variation 651207 (VCV000651207.8), dbSNP rs1553189801, ClinGen allele CA337951860.
Genomic context (GRCh38, chr1:2,228,774, plus strand): 5'-GGGGGGGCCCGGGCGCGCGGGAGCGGGAGCGGCCGGGGGAGCCGGAGCGCACCATGGAGG[C>G]GGCGGCAGGCGGCCGCGGCTGTTTCCAGCCGCACCCGGGGCTGCAGAAGACGCTGGAGCA-3'
Protein context (NP_003027.1, residues 1-13): ME[Ala3Gly]AAGGRGCFQP